The following is an entry in ClinVar:

ClinVar aggregate classification (germline): Conflicting classifications of pathogenicity. Review status: criteria provided, conflicting classifications (1 of 4 stars). 10 submissions from 10 submitters: Uncertain significance (6); Likely benign (3). 1 of the submissions does not count toward it. Last evaluated 2026-01-26.

Conditions:
Hereditary cancer-predisposing syndrome. Also called: Hereditary neoplastic syndrome; Hereditary Cancer Syndrome; Tumor predisposition; Neoplastic Syndromes, Hereditary. Identifiers: Orphanet 140162, MedGen C0027672, MeSH D009386, MONDO:0015356.
Familial cancer of breast. Also called: BREAST CANCER, FAMILIAL; Hereditary breast cancer; hereditary breast carcinoma. Identifiers: Orphanet 227535, MedGen C0346153, MONDO:0016419, OMIM 114480. Disease mechanism: loss of function.
Fanconi anemia complementation group N. Also called: PALB2-Related Fanconi Anemia. Identifiers: Orphanet 84, MedGen C1835817, MONDO:0012565, OMIM 610832. Disease mechanism: loss of function.
Pancreatic cancer, susceptibility to, 3. Identifiers: Orphanet 1333, MedGen C3150547, MONDO:0013236, OMIM 613348.
Carcinoma of colon (CRC). Also called: Colon carcinoma; Colonic carcinoma. Identifiers: MedGen C0699790, MONDO:0002032.

Allele frequency attached by ClinVar (database versions not stated): TOPMed 0.00003; gnomAD 0.00005; ExAC 0.00002; ESP Exome Variant Server 0.00008; gnomAD exomes below 0.00001 and 0.00001.
gnomAD v4.1: 13 of 1,614,018 alleles (0.00081%); highest among the groups gnomAD compares: African/African-American, 0.016%; no homozygotes.

Submissions (10):

Labcorp Genetics (formerly Invitae), Labcorp
Classification: Uncertain significance for Familial cancer of breast. Last evaluated: 2026-01-26. Review status: criteria provided, single submitter. Criteria: Invitae Variant Classification Sherloc (09022015). Collection method: clinical testing. Allele origin: germline.
Comment: This sequence change replaces lysine, which is basic and polar, with arginine, which is basic and polar, at codon 745 of the PALB2 protein (p.Lys745Arg). This variant is present in population databases (rs142343372, gnomAD 0.02%). This missense change has been observed in individual(s) with colorectal cancer (PMID: 28944238). ClinVar contains an entry for this variant (Variation ID: 480232). Invitae Evidence Modeling of protein sequence and biophysical properties (such as structural, functional, and spatial information, amino acid conservation, physicochemical variation, residue mobility, and thermodynamic stability) indicates that this missense variant is not expected to disrupt PALB2 protein function with a negative predictive value of 80%. In summary, the available evidence is currently insufficient to determine the role of this variant in disease. Therefore, it has been classified as a Variant of Uncertain Significance.

Myriad Genetics, Inc.
Classification: Likely benign for Familial cancer of breast. Last evaluated: 2025-01-15. Review status: criteria provided, single submitter. Criteria: Myriad Autosomal Dominant, Autosomal Recessive and X-Linked Classification Criteria (2023). Collection method: clinical testing. Allele origin: unknown.
Comment: This variant is considered likely benign. This variant is strongly associated with less severe personal and family histories of cancer, typical for individuals without pathogenic variants in this gene [PMID: 25085752].

Color Diagnostics, LLC DBA Color Health
Classification: Likely benign for Hereditary cancer-predisposing syndrome. Last evaluated: 2024-09-27. Review status: criteria provided, single submitter. Criteria: ACMG Guidelines, 2015. Collection method: clinical testing. Allele origin: germline.

Ambry Genetics
Classification: Likely benign for Hereditary cancer-predisposing syndrome. Last evaluated: 2024-08-14. Review status: criteria provided, single submitter. Criteria: Ambry Variant Classification Scheme 2023. Collection method: clinical testing. Allele origin: germline.

Quest Diagnostics Nichols Institute San Juan Capistrano
Classification: Uncertain significance. Last evaluated: 2024-06-26. Review status: criteria provided, single submitter. Criteria: Quest Diagnostics criteria. Collection method: clinical testing. Allele origin: unknown.
Comment: The PALB2 c.2234A>G (p.Lys745Arg) variant has been reported in the published literature in individuals with colorectal cancer (PMID: 28944238 (2017)). Additionally, a functional study suggests that the variant is not damaging to protein function (PMID: 31636395 (2020)). The frequency of this variant in the general population, 0.00018 (3/16256 chromosomes (Genome Aggregation Database)), is uninformative in the assessment of its pathogenicity. Analysis of this variant using bioinformatics tools for the prediction of the effect of amino acid changes on protein structure and function yielded predictions that this variant is benign. Based on the available information, we are unable to determine the clinical significance of this variant.

Baylor Genetics
Classification: Uncertain significance for Familial cancer of breast. Last evaluated: 2023-10-16. Review status: criteria provided, single submitter. Criteria: ACMG Guidelines, 2015. Collection method: clinical testing. Allele origin: unknown.

GeneDx
Classification: Uncertain significance. Last evaluated: 2022-08-02. Review status: criteria provided, single submitter. Criteria: GeneDx Variant Classification Process June 2021. Collection method: clinical testing. Allele origin: germline. Affected: yes.
Comment: Not observed at significant frequency in large population cohorts (gnomAD); In silico analysis supports that this missense variant does not alter protein structure/function; Observed in individuals with colorectal cancer (DeRycke et al., 2017); Published functional studies suggest no damaging effect: HDR activity comparable to wild type (Wiltshire et al., 2020); This variant is associated with the following publications: (PMID: 30404791, 22941656, 28944238, 31636395)

Fulgent Genetics
Classification: Uncertain significance for Familial cancer of breast; Fanconi anemia complementation group N; Pancreatic cancer, susceptibility to, 3. Last evaluated: 2021-08-19. Review status: criteria provided, single submitter. Criteria: ACMG Guidelines, 2015. Collection method: clinical testing. Allele origin: unknown.

Sema4
Classification: Uncertain significance for Hereditary cancer-predisposing syndrome. Last evaluated: 2021-08-04. Review status: criteria provided, single submitter. Criteria: Sema4 Curation Guidelines. Collection method: curation. Allele origin: germline.
Comment: The PALB2 c.2234A>G (p.K745R) variant has been reported in individuals with acute lymphoblastic leukemia and colorectal cancer (PMID: 3040479, 28944238). It was observed in 3/16256 chromosomes of the African/African American subpopulation in the large and broad cohorts of the Genome Aggregation Database (PMID: 32461654). The variant has been reported in ClinVar (Variation ID 480232). In silico tools suggest the impact of the variant on protein function is benign, though these predictions have not been confirmed by functional studies. The evidence is insufficient to meet ACMG/AMP criteria for classifying the variant as benign or pathogenic. Thus, the clinical significance of this variant is currently uncertain.

Leiden Open Variation Database
Classification: Uncertain significance for Colorectal cancer. Last evaluated: 2017-01-31. Review status: no assertion criteria provided. Collection method: curation. Allele origin: germline. Affected: yes. Not counted in ClinVar's aggregate classification.
Comment: Curators: Marc Tischkowitz, Arleen D. Auerbach. Submitter to LOVD: Melissa DeRycke.

Literature cited by the submitters: PubMed 28944238 (cited by 3 submitters); PubMed 25085752 (cited by Myriad Genetics, Inc.); PubMed 31636395 (cited by Ambry Genetics and Quest Diagnostics Nichols Institute San Juan Capistrano); PubMed 33195396 (cited by Quest Diagnostics Nichols Institute San Juan Capistrano); PubMed 3040479 (cited by Sema4).

NM_024675.4(PALB2):c.2234A>G (p.Lys745Arg)

Gene: PALB2 (partner and localizer of BRCA2; minus strand). Cytogenetic location: 16p12.2.
Variant type: single nucleotide variant.
Coding change: c.2234A>G on transcript NM_024675.4 (MANE Select); coding-DNA position 2234, A replaced by G.
Protein change: p.Lys745Arg; replaces lysine 745 with arginine.
Molecular consequence: missense variant.
Genome position (GRCh38, 1-based): chr16:23,629,920, T>C on the plus strand (A>G on the coding strand, the complement: PALB2 is on the minus strand). VCF-style: chr16-23629920-T-C. GRCh37 (hg19) VCF-style: chr16-23641241-T-C.
Other names: short protein forms K745R.
Identifiers: ClinVar variation 480232 (VCV000480232.24), dbSNP rs142343372, ClinGen allele CA7963609.